The following is an entry in ClinVar:

ClinVar aggregate classification (germline): Likely benign (0 of 4 stars; one submission).

Conditions:
PPARG-related disorder. Also called: PPARG-related disorders; PPARG-related condition.

gnomAD v4.1: 3 of 1,602,570 alleles (0.00019%); highest among the groups gnomAD compares: Admixed American, 0.005%; no homozygotes.

Submission:

PreventionGenetics, part of Exact Sciences
Classification: Likely benign for PPARG-related condition. Last evaluated: 2023-10-10. Review status: no assertion criteria provided. Collection method: clinical testing. Allele origin: germline.
Comment: This variant is classified as likely benign based on ACMG/AMP sequence variant interpretation guidelines (Richards et al. 2015 PMID: 25741868, with internal and published modifications).

NM_138711.6(PPARG):c.-8-17T>G

Gene: PPARG (peroxisome proliferator activated receptor gamma; plus strand). Cytogenetic location: 3p25.2.
Variant type: single nucleotide variant.
Coding change: c.-8-17T>G on transcript NM_138711.6 (MANE Select); 17 bases into the intron before 8 bases upstream of the start codon, T replaced by G.
Molecular consequence: intron variant.
Genome position (GRCh38, 1-based): chr3:12,379,687, T>G. VCF-style: chr3-12379687-T-G. GRCh37 (hg19) VCF-style: chr3-12421186-T-G.
Other names: c.-8-17T>G (NM_001354666.3, NM_138712.5, NM_005037.7 and 6 more transcripts); c.-435-17T>G (NM_001354669.2); c.-2-17T>G (NM_001374266.1, NM_001354670.2); c.83-17T>G (NM_015869.5, NM_001374265.1, NM_001354668.2).
Identifiers: ClinVar variation 3348314 (VCV003348314.1).
Genomic context (GRCh38, chr3:12,379,687, plus strand): 5'-TTTCTCTTTCTGAAACTCTGTGAGATTGCTGTGTTCTCTAGGACTTAACTTCACAGCTAG[T>G]CTATTTTTCCTTTCAGAAATGACCATGGTTGACACAGAGATGCCATTCTGGCCCACCAAC-3'